The following is an entry in ClinVar:

NM_000256.3(MYBPC3):c.3541C>G (p.Pro1181Ala)

Gene: MYBPC3 (myosin binding protein C3; minus strand). Cytogenetic location: 11p11.2.
Variant type: single nucleotide variant.
Coding change: c.3541C>G on transcript NM_000256.3 (MANE Select); coding-DNA position 3541, C replaced by G.
Protein change: p.Pro1181Ala; replaces proline 1181 with alanine.
Molecular consequence: missense variant.
Genome position (GRCh38, 1-based): chr11:47,332,652, G>C on the plus strand (C>G on the coding strand, the complement: MYBPC3 is on the minus strand). VCF-style: chr11-47332652-G-C. GRCh37 (hg19) VCF-style: chr11-47354203-G-C.
Other names: p.P1181A:CCA>GCA; c.3541C>G, p.Pro1181Ala (LRG_386t1); short protein forms P1181A.
Identifiers: ClinVar variation 181011 (VCV000181011.4), dbSNP rs730880593, ClinGen allele CA014307.

ClinVar aggregate classification (germline): Uncertain significance (1 of 4 stars; one submission).

Allele frequency attached by ClinVar (database versions not stated): gnomAD exomes 0.00001 and 0.00002; gnomAD 0.00001; TOPMed 0.00005.
gnomAD v4.1: 6 of 1,613,620 alleles (0.00037%); highest among the groups gnomAD compares: Admixed American, 0.01%; no homozygotes.

Submission:

GeneDx
Classification: Uncertain significance. Last evaluated: 2025-10-02. Review status: criteria provided, single submitter. Criteria: GeneDx Variant Classification Process June 2021. Collection method: clinical testing. Allele origin: germline. Affected: yes.
Comment: Has not been previously published as pathogenic or benign to our knowledge; Not observed at significant frequency in large population cohorts (gnomAD); In silico analysis supports that this missense variant has a deleterious effect on protein structure/function